The following is an entry in ClinVar:

NM_000260.4(MYO7A):c.3992A>G (p.Lys1331Arg)

Gene: MYO7A (myosin VIIA; plus strand). Cytogenetic location: 11q13.5.
Variant type: single nucleotide variant.
Coding change: c.3992A>G on transcript NM_000260.4 (MANE Select); coding-DNA position 3992, A replaced by G.
Protein change: p.Lys1331Arg; replaces lysine 1331 with arginine.
Molecular consequence: missense variant.
Genome position (GRCh38, 1-based): chr11:77,192,118, A>G. VCF-style: chr11-77192118-A-G. GRCh37 (hg19) VCF-style: chr11-76903163-A-G.
Other names: c.3992A>G, p.Lys1331Arg (NM_001127180.2); c.3959A>G, p.Lys1320Arg (NM_001369365.1); short protein forms K1320R, K1331R.
Identifiers: ClinVar variation 1064944 (VCV001064944.3), dbSNP rs2135575658, ClinGen allele CA381948680.

ClinVar aggregate classification (germline): Uncertain significance (1 of 4 stars; one submission).

Conditions:
Hearing impairment. Also called: Impaired Hearing. Identifiers: MedGen C1384666, MONDO:0005365, HP:0000365.

Submission:

Department of Otolaryngology – Head & Neck Surgery, Cochlear Implant Center
Classification: Uncertain significance for Hearing impairment. Last evaluated: 2021-04-12. Review status: criteria provided, single submitter. Criteria: ClinGen HL ACMG Specifications v1. Collection method: clinical testing. Allele origin: germline. Affected: yes.
Comment: PM2_Moderate, PP3_Supporting